The following is an entry in ClinVar:

ClinVar aggregate classification (germline): Benign/Likely benign. Review status: criteria provided, multiple submitters, no conflicts (2 of 4 stars). 5 submissions from 5 submitters: Benign (2); Likely benign (2). 1 of the submissions does not count toward it. Last evaluated 2022-09-30.

Conditions:
Inborn genetic diseases. Identifiers: MedGen C0950123, MeSH D030342.
TRIO-related disorder. Also called: TRIO-related condition; TRIO-related disorders.
Intellectual developmental disorder, autosomal dominant 44, with microcephaly. Also called: TRIO-Related Intellectual Disability; Micrognathia-recurrent infections-behavioral abnormalities-mild intellectual disability syndrome. Identifiers: Orphanet 476126, MedGen C4310740, MONDO:0014892, OMIM 617061.
Intellectual developmental disorder, autosomal dominant 63, with macrocephaly. Also called: MENTAL RETARDATION, AUTOSOMAL DOMINANT 63, WITH MACROCEPHALY. Identifiers: MedGen C5394205, MONDO:0032939, OMIM 618825.

Allele frequency attached by ClinVar (database versions not stated): TOPMed 0.00068; ExAC 0.00025; gnomAD 0.00037 and 0.00034; 1000 Genomes Project 30x 0.00016; 1000 Genomes Project 0.00020; gnomAD exomes 0.00034 and 0.00029; ESP Exome Variant Server 0.00023.
gnomAD v4.1: 571 of 1,614,204 alleles (0.035%); highest among the groups gnomAD compares: Admixed American, 0.09%; no homozygotes.

Submissions (5):

Ambry Genetics
Classification: Likely benign for Inborn genetic diseases. Last evaluated: 2022-09-30. Review status: criteria provided, single submitter. Criteria: Ambry Variant Classification Scheme 2023. Collection method: clinical testing. Allele origin: germline.

CeGaT Center for Human Genetics Tuebingen
Classification: Benign. Last evaluated: 2022-06-01. Review status: criteria provided, single submitter. Criteria: CeGaT Center For Human Genetics Tuebingen Variant Classification Criteria Version 2. Collection method: clinical testing. Allele origin: germline. Affected: yes. Observed: 1 variant allele.
Comment: TRIO: BS1, BS2

Department of Pathology and Laboratory Medicine, Sinai Health System
Classification: Likely benign for Intellectual developmental disorder, autosomal dominant 44, with microcephaly; Intellectual developmental disorder, autosomal dominant 63, with macrocephaly. Last evaluated: 2021-07-30. Review status: criteria provided, single submitter. Criteria: ACMG Guidelines, 2015. Collection method: research. Allele origin: germline.

GeneDx
Classification: Benign. Last evaluated: 2019-08-05. Review status: criteria provided, single submitter. Criteria: GeneDx Variant Classification Process June 2021. Collection method: clinical testing. Allele origin: germline. Affected: yes.

PreventionGenetics, part of Exact Sciences
Classification: Likely benign for TRIO-related condition. Last evaluated: 2019-08-20. Review status: no assertion criteria provided. Collection method: clinical testing. Allele origin: germline. Not counted in ClinVar's aggregate classification.
Comment: This variant is classified as likely benign based on ACMG/AMP sequence variant interpretation guidelines (Richards et al. 2015 PMID: 25741868, with internal and published modifications).

NM_007118.4(TRIO):c.8359A>T (p.Thr2787Ser)

Gene: TRIO (trio Rho guanine nucleotide exchange factor; plus strand). Cytogenetic location: 5p15.2.
Variant type: single nucleotide variant.
Coding change: c.8359A>T on transcript NM_007118.4 (MANE Select); coding-DNA position 8359, A replaced by T.
Protein change: p.Thr2787Ser; replaces threonine 2787 with serine.
Molecular consequence: missense variant. On other transcripts: non-coding transcript variant (1).
Genome position (GRCh38, 1-based): chr5:14,502,605, A>T. VCF-style: chr5-14502605-A-T. GRCh37 (hg19) VCF-style: chr5-14502714-A-T.
Other names: c.8359A>T (NM_007118.3); short protein forms T2787S.
Identifiers: ClinVar variation 1227539 (VCV001227539.31), dbSNP rs144114662, ClinGen allele CA3207854.